The following is an entry in ClinVar:

ClinVar aggregate classification (germline): Uncertain significance (1 of 4 stars; one submission).

Submission:

Women's Health and Genetics/Laboratory Corporation of America, LabCorp
Classification: Uncertain significance. Last evaluated: 2024-01-25. Review status: criteria provided, single submitter. Criteria: LabCorp Variant Classification Summary - May 2015. Collection method: clinical testing. Allele origin: germline.
Comment: Variant summary: SEC31A c.944delA (p.Asn315IlefsX27) results in a premature termination codon, predicted to cause a truncation of the encoded protein or absence of the protein due to nonsense mediated decay, however the molecular mechanism of disease attributed to SEC31A is currently unknown. The variant was absent in 251286 control chromosomes (gnomAD). The available data on variant occurrences in the general population are insufficient to allow any conclusion about variant significance. To our knowledge, no occurrence of c.944delA in individuals affected with Neurodevelopmental Disorder With Spastic Quadriplegia, Optic Atrophy, Seizures, And Structural Brain Anomalies and no experimental evidence demonstrating its impact on protein function have been reported. No submitters have cited clinical-significance assessments for this variant to ClinVar. Based on the evidence outlined above, the variant was classified as uncertain significance.

NM_001077207.4(SEC31A):c.944del (p.Asn315fs)

Gene: SEC31A (SEC31 homolog A, COPII coat complex component; minus strand). Cytogenetic location: 4q21.22.
Variant type: Deletion.
Coding change: c.944del on transcript NM_001077207.4 (MANE Select); coding-DNA position 944, one base deleted (A; older notation c.944delA).
Protein change: p.Asn315fs; shifts the reading frame from asparagine 315.
Molecular consequence: frameshift variant.
Genome position (GRCh38, 1-based): chr4:82,867,255, T deleted on the plus strand (A on the coding strand, the reverse complement: SEC31A is on the minus strand); the first of 3 consecutive T bases (chr4:82,867,255-82,867,257); deleting any one gives the same sequence. VCF-style (leftmost placement, unchanged base first): chr4-82867254-AT-A. GRCh37 (hg19) VCF-style: chr4-83788407-AT-A.
Other names: c.944del, p.Asn315fs (NM_001077206.4, NM_001077208.4, NM_001300744.3 and 48 more transcripts); c.929del, p.Asn310fs (NM_001191049.2, NM_001400212.1, NM_001400214.1); c.782del, p.Asn261fs (NM_001400215.1); c.470del, p.Asn157fs (NM_001400224.1); c.944delA (NM_001077206.4); short protein forms N157fs, N261fs, N310fs, N315fs.
Identifiers: ClinVar variation 3063672 (VCV003063672.1), dbSNP rs2546755136, ClinGen allele CA2671225214.
Genomic context (GRCh38, chr4:82,867,254, plus strand): 5'-TCCCATGATAGAATAAACACTGATACGCCCATCAAACGAAGCAGCTGATAAGACAGCAGG[AT>A]TTCGGGGACACCACTGAATATCGAAGCACCACTGTGTGTTGGTGGGAAGTTCATATAACA-3'